The following is an entry in ClinVar:

ClinVar aggregate classification (germline): Uncertain significance (1 of 4 stars; one submission).

Conditions:
Emery-Dreifuss muscular dystrophy 4, autosomal dominant (EDMD4). Also called: EMERY-DREIFUSS MUSCULAR DYSTROPHY 4 WITH VARIABLE FEATURES. Identifiers: Orphanet 261, MedGen C2751807, MONDO:0013071, OMIM 612998.
Autosomal recessive ataxia, Beauce type. Also called: Spinocerebellar ataxia, autosomal recessive 8; ATAXIA, RECESSIVE, OF BEAUCE; SYNE1-Related Autosomal Recessive Cerebellar Ataxia; SYNE1 Deficiency. Identifiers: Orphanet 88644, MedGen C1853116, MONDO:0012549, OMIM 610743.

Allele frequency attached by ClinVar (database versions not stated): gnomAD exomes below 0.00001.
gnomAD v4.1: 2 of 1,614,210 alleles (0.00012%); highest among the groups gnomAD compares: South Asian, 0.0011%; no homozygotes.

Submission:

Labcorp Genetics (formerly Invitae), Labcorp
Classification: Uncertain significance for Emery-Dreifuss muscular dystrophy 4, autosomal dominant; Autosomal recessive ataxia, Beauce type. Last evaluated: 2019-09-11. Review status: criteria provided, single submitter. Criteria: Invitae Variant Classification Sherloc (09022015). Collection method: clinical testing. Allele origin: germline.
Comment: This variant is present in population databases (rs768692140, ExAC 0.001%). In summary, the available evidence is currently insufficient to determine the role of this variant in disease. Therefore, it has been classified as a Variant of Uncertain Significance. Algorithms developed to predict the effect of missense changes on protein structure and function are either unavailable or do not agree on the potential impact of this missense change (SIFT: "Deleterious"; PolyPhen-2: "Possibly Damaging"; Align-GVGD: "Class C0"). This variant has not been reported in the literature in individuals with SYNE1-related conditions. This sequence change replaces serine with isoleucine at codon 3206 of the SYNE1 protein (p.Ser3206Ile). The serine residue is highly conserved and there is a large physicochemical difference between serine and isoleucine.

NM_182961.4(SYNE1):c.9596G>T (p.Ser3199Ile)

Gene: SYNE1 (spectrin repeat containing nuclear envelope protein 1; minus strand). Cytogenetic location: 6q25.2.
Variant type: single nucleotide variant.
Coding change: c.9596G>T on transcript NM_182961.4 (MANE Select); coding-DNA position 9596, G replaced by T.
Protein change: p.Ser3199Ile; replaces serine 3199 with isoleucine.
Molecular consequence: missense variant.
Genome position (GRCh38, 1-based): chr6:152,369,526, C>A on the plus strand (G>T on the coding strand, the complement: SYNE1 is on the minus strand). VCF-style: chr6-152369526-C-A. GRCh37 (hg19) VCF-style: chr6-152690661-C-A.
Other names: c.9617G>T, p.Ser3206Ile (NM_033071.5); short protein forms S3199I, S3206I.
Identifiers: ClinVar variation 937592 (VCV000937592.9), dbSNP rs768692140, ClinGen allele CA4057280.